The following is an entry in ClinVar:

NM_000038.6(APC):c.3734del (p.Lys1245fs)

Gene: APC (APC regulator of Wnt signaling pathway; plus strand). Cytogenetic location: 5q22.2.
Variant type: Deletion.
Coding change: c.3734del on transcript NM_000038.6 (MANE Select); coding-DNA position 3734, one base deleted (A; older notation c.3734delA).
Protein change: p.Lys1245fs; shifts the reading frame from lysine 1245.
Molecular consequence: frameshift variant.
Genome position (GRCh38, 1-based): chr5:112,839,328, A deleted; the last of 4 consecutive A bases (chr5:112,839,325-112,839,328); deleting any one gives the same sequence. VCF-style (leftmost placement, unchanged base first): chr5-112839324-CA-C. GRCh37 (hg19) VCF-style: chr5-112175021-CA-C.
Other names: c.3734del, p.Lys1245fs (NM_001127510.3, NM_001354895.2); c.3680del, p.Lys1227fs (NM_001127511.3); c.3788del, p.Lys1263fs (NM_001354896.2); c.3764del, p.Lys1255fs (NM_001354897.2); c.3659del, p.Lys1220fs (NM_001354898.2); c.3650del, p.Lys1217fs (NM_001354899.2); c.3611del, p.Lys1204fs (NM_001354900.2); c.3557del, p.Lys1186fs (NM_001354901.2); and 6 more; short protein forms K1085fs, K1119fs, K1227fs, K1255fs, K1144fs, K1154fs, K1204fs, K1220fs.
Identifiers: ClinVar variation 941141 (VCV000941141.13), dbSNP rs1114167595, ClinGen allele CA445963989.

ClinVar aggregate classification (germline): Pathogenic. Review status: criteria provided, multiple submitters, no conflicts (2 of 4 stars). 2 submissions from 2 submitters: Pathogenic (2). Last evaluated 2020-09-02.

Conditions:
Familial adenomatous polyposis 1 (FAP1). Also called: FAMILIAL ADENOMATOUS POLYPOSIS 1, ATTENUATED; POLYPOSIS, ADENOMATOUS INTESTINAL. Identifiers: MedGen C2713442, MONDO:0021056, OMIM 175100. Disease mechanism: loss of function.
Hereditary cancer-predisposing syndrome. Also called: Hereditary neoplastic syndrome; Neoplastic Syndromes, Hereditary; Tumor predisposition; Hereditary Cancer Syndrome. Identifiers: Orphanet 140162, MedGen C0027672, MeSH D009386, MONDO:0015356.

Submissions (2):

Ambry Genetics
Classification: Pathogenic for Hereditary cancer-predisposing syndrome. Last evaluated: 2020-09-02. Review status: criteria provided, single submitter. Criteria: Ambry Variant Classification Scheme 2023. Collection method: clinical testing. Allele origin: germline.
Comment: The c.3734delA pathogenic mutation, located in coding exon 15 of the APC gene, results from a deletion of one nucleotide at nucleotide position 3734, causing a translational frameshift with a predicted alternate stop codon (p.K1245Rfs*20). This alteration occurs at the 3' terminus of theAPC gene, is not expected to trigger nonsense-mediated mRNA decay, and impacts the last 1580 amino acids of the protein. However, premature stop codons are typically deleterious in nature and a significant portion of the protein is affected (Ambry internal data). This alteration was identified in 1/934 French patients with FAP (Lagarde A et al. J. Med. Genet., 2010 Oct;47:721-2). This variant was not reported in population-based cohorts in the Genome Aggregation Database (gnomAD). Based on the supporting evidence, this alteration is interpreted as a disease-causing mutation.

Labcorp Genetics (formerly Invitae), Labcorp
Classification: Pathogenic for Familial adenomatous polyposis 1. Last evaluated: 2019-10-13. Review status: criteria provided, single submitter. Criteria: Invitae Variant Classification Sherloc (09022015). Collection method: clinical testing. Allele origin: germline.
Comment: For these reasons, this variant has been classified as Pathogenic. A different truncation (p.Tyr2645Lysfs*14) that lies downstream of this variant has been determined to be pathogenic (PMID: 9824584, 1316610, 27081525, 8381579, 22135120, Invitae). This suggests that deletion of this region of the APC protein is causative of disease. This variant is expected to disrupt the EB1 and HDLG binding sites, which mediate interactions with the cytoskeleton (PMID: 15311282, 17293347). While functional studies have not been performed to directly test the effect on APC protein function, this suggests that disruption of the C-terminal portion of the protein is functionally important. This variant has been observed in several individuals affected with familial adenomatous polyposis (PMID: 11960572, 20685668, Invitae). This variant is not present in population databases (ExAC no frequency). This sequence change results in a premature translational stop signal in the APC gene (p.Lys1245Argfs*20). While this is not anticipated to result in nonsense mediated decay, it is expected to disrupt the last 1599 amino acids of the APC protein.

Literature cited by the submitters: PubMed 20685668 (cited by Ambry Genetics and Labcorp Genetics (formerly Invitae), Labcorp); PubMed 9824584 (cited by Labcorp Genetics (formerly Invitae), Labcorp); PubMed 1316610 (cited by Labcorp Genetics (formerly Invitae), Labcorp); PubMed 27081525 (cited by Labcorp Genetics (formerly Invitae), Labcorp); PubMed 8381579 (cited by Labcorp Genetics (formerly Invitae), Labcorp); PubMed 22135120 (cited by Labcorp Genetics (formerly Invitae), Labcorp); PubMed 15311282 (cited by Labcorp Genetics (formerly Invitae), Labcorp); PubMed 17293347 (cited by Labcorp Genetics (formerly Invitae), Labcorp); PubMed 11960572 (cited by Labcorp Genetics (formerly Invitae), Labcorp).